The following is an entry in ClinVar:

NM_006031.6(PCNT):c.505C>G (p.Arg169Gly)

Gene: PCNT (pericentrin; plus strand). Cytogenetic location: 21q22.3.
Variant type: single nucleotide variant.
Coding change: c.505C>G on transcript NM_006031.6 (MANE Select); coding-DNA position 505, C replaced by G.
Protein change: p.Arg169Gly; replaces arginine 169 with glycine.
Molecular consequence: missense variant.
Genome position (GRCh38, 1-based): chr21:46,334,634, C>G. VCF-style: chr21-46334634-C-G. GRCh37 (hg19) VCF-style: chr21-47754548-C-G.
Other names: c.151C>G, p.Arg51Gly (NM_001315529.2); short protein forms R51G, R169G.
Identifiers: ClinVar variation 4985882 (VCV004985882.1).

ClinVar aggregate classification (germline): Uncertain significance (1 of 4 stars; one submission).

Conditions:
PCNT-related disorder. Also called: PCNT-related condition.

gnomAD v4.1: 1 of 1,604,928 alleles (0.000062%); highest among the groups gnomAD compares: Non-Finnish European, 0.000085%; no homozygotes.

Submission:

PreventionGenetics, part of Exact Sciences
Classification: Uncertain significance for PCNT-related condition. Last evaluated: 2024-10-31. Review status: criteria provided, single submitter. Criteria: ACMG Guidelines, 2015. Collection method: clinical testing. Allele origin: germline.
Comment: The PCNT c.505C>G variant is predicted to result in the amino acid substitution p.Arg169Gly. To our knowledge, this variant has not been reported in the literature. This variant is reported in 0.00088% of alleles in individuals of European (Non-Finnish) descent in gnomAD. At this time, the clinical significance of this variant is uncertain due to the absence of conclusive functional and genetic evidence.